The following is an entry in ClinVar:

ClinVar aggregate classification (germline): Pathogenic. Review status: criteria provided, multiple submitters, no conflicts (2 of 4 stars). 2 submissions from 2 submitters: Pathogenic (2). Last evaluated 2022-11-15.

Conditions:
CHARGE syndrome (CHARGE). Also called: CHARGE ASSOCIATION--COLOBOMA, HEART ANOMALY, CHOANAL ATRESIA, RETARDATION, GENITAL AND EAR ANOMALIES; Hittner Hirsch Kreh syndrome; Coloboma, heart anomaly, choanal atresia, retardation, genital and ear anomalies; CHARGE association; Hall-Hittner syndrome. Identifiers: Orphanet 138, MedGen C0265354, MONDO:0008965.

Submissions (2):

Labcorp Genetics (formerly Invitae), Labcorp
Classification: Pathogenic for CHARGE syndrome. Last evaluated: 2022-11-15. Review status: criteria provided, single submitter. Criteria: Invitae Variant Classification Sherloc (09022015). Collection method: clinical testing. Allele origin: germline.
Comment: For these reasons, this variant has been classified as Pathogenic. ClinVar contains an entry for this variant (Variation ID: 166858). This variant has not been reported in the literature in individuals affected with CHD7-related conditions. This variant is not present in population databases (gnomAD no frequency). This sequence change creates a premature translational stop signal (p.Gln457*) in the CHD7 gene. It is expected to result in an absent or disrupted protein product. Loss-of-function variants in CHD7 are known to be pathogenic (PMID: 22461308, 25077900).

Eurofins Ntd Llc (ga)
Classification: Pathogenic. Last evaluated: 2013-12-11. Review status: criteria provided, single submitter. Criteria: EGL Classification Definitions. Collection method: clinical testing. Allele origin: germline. Observed: 1 variant allele, 1 heterozygote.

Literature cited by the submitters: PubMed 22461308 (cited by Labcorp Genetics (formerly Invitae), Labcorp); PubMed 25077900 (cited by Labcorp Genetics (formerly Invitae), Labcorp).

NM_017780.4(CHD7):c.1369C>T (p.Gln457Ter)

Gene: CHD7 (chromodomain helicase DNA binding protein 7; plus strand). Cytogenetic location: 8q12.2.
Variant type: single nucleotide variant.
Coding change: c.1369C>T on transcript NM_017780.4 (MANE Select); coding-DNA position 1369, C replaced by T.
Protein change: p.Gln457Ter; replaces glutamine 457 with a stop codon.
Molecular consequence: nonsense.
Genome position (GRCh38, 1-based): chr8:60,742,801, C>T. VCF-style: chr8-60742801-C-T. GRCh37 (hg19) VCF-style: chr8-61655360-C-T.
Other names: c.1369C>T, p.Gln457Ter (NM_001316690.1); short protein forms Q457*.
Identifiers: ClinVar variation 166858 (VCV000166858.10), dbSNP rs727503861, ClinGen allele CA233713.